The following is an entry in ClinVar:

ClinVar aggregate classification (germline): Pathogenic. Review status: criteria provided, multiple submitters, no conflicts (2 of 4 stars). 6 submissions from 6 submitters: Pathogenic (6). Last evaluated 2025-03-10.

Conditions:
NPHP1-related disorder. Also called: NPHP1-related disorders; NPHP1-related condition.
Joubert syndrome and related disorders. Identifiers: Orphanet 140874, MedGen C5679612, MONDO:0015369.
Nephronophthisis. Also called: Juvenile Nephronophthisis. Identifiers: Orphanet 655, MedGen C0687120, MONDO:0019005, HP:0000090.
Senior-Loken syndrome 1 (SLSN1). Also called: JUVENILE NEPHRONOPHTHISIS WITH LEBER AMAUROSIS. Identifiers: Orphanet 3156, MedGen C4551559, MONDO:0009962, OMIM 266900.
Nephronophthisis 1 (NPHP1). Also called: Nephronophthisis familial juvenile. Identifiers: Orphanet 655, Orphanet 93592, MedGen C1855681, MONDO:0009728, OMIM 256100.
Joubert syndrome with renal defect. Also called: JOUBERT SYNDROME 4. Identifiers: Orphanet 220497, MedGen C1846790, MONDO:0012308, OMIM 609583.

Submissions (6):

Labcorp Genetics (formerly Invitae), Labcorp
Classification: Pathogenic for Nephronophthisis. Last evaluated: 2025-03-10. Review status: criteria provided, single submitter. Criteria: Invitae Variant Classification Sherloc (09022015). Collection method: clinical testing. Allele origin: germline.
Comment: This sequence change creates a premature translational stop signal (p.Ile573Metfs*10) in the NPHP1 gene. It is expected to result in an absent or disrupted protein product. Loss-of-function variants in NPHP1 are known to be pathogenic (PMID: 23559409). This variant is present in population databases (no rsID available, gnomAD 0.002%). This premature translational stop signal has been observed in individual(s) with nephronophthisis (PMID: 23559409). ClinVar contains an entry for this variant (Variation ID: 595558). For these reasons, this variant has been classified as Pathogenic.

PreventionGenetics, part of Exact Sciences
Classification: Pathogenic for NPHP1-related condition. Last evaluated: 2025-02-24. Review status: criteria provided, single submitter. Criteria: ACMG Guidelines, 2015. Collection method: clinical testing. Allele origin: germline.
Comment: The NPHP1 c.1719delT variant is predicted to result in a frameshift and premature protein termination (p.Ile573Metfs*10). This variant was reported in the homozygous state in an individual with nephronophthisis-related ciliopathy (Halbritter et al. 2013. PubMed ID: 23559409). This variant is reported in 0.0016% of alleles in individuals of European (Non-Finnish) descent in gnomAD. Frameshift variants in NPHP1 are expected to be pathogenic. This variant is interpreted as pathogenic.

Baylor Genetics
Classification: Pathogenic for Joubert syndrome with renal defect. Last evaluated: 2024-03-04. Review status: criteria provided, single submitter. Criteria: ACMG Guidelines, 2015. Collection method: clinical testing. Allele origin: unknown.

Fulgent Genetics
Classification: Pathogenic for Nephronophthisis 1; Senior-Loken syndrome 1; Joubert syndrome with renal defect. Last evaluated: 2024-02-28. Review status: criteria provided, single submitter. Criteria: ACMG Guidelines, 2015. Collection method: clinical testing. Allele origin: germline.

Women's Health and Genetics/Laboratory Corporation of America, LabCorp
Classification: Pathogenic for Joubert syndrome and related disorders. Last evaluated: 2023-02-21. Review status: criteria provided, single submitter. Criteria: LabCorp Variant Classification Summary - May 2015. Collection method: clinical testing. Allele origin: germline.
Comment: Variant summary: NPHP1 c.1719delT (p.Ile573MetfsX10) results in a premature termination codon, predicted to cause a truncation of the encoded protein or absence of the protein due to nonsense mediated decay, which are commonly known mechanisms for disease. Truncations downstream of this position have been associated with Nephronophthisis in HGMD. The variant allele was found at a frequency of 4e-06 in 250524 control chromosomes. c.1719delT has been reported in the literature in individuals affected with End-stage Renal Disease (example: Halbritter_2013). To our knowledge, no experimental evidence demonstrating an impact on protein function has been reported. Two ClinVar submitters have submitted clinical-significance assessments for this variant to ClinVar after 2014. All laboratories classified the variant as pathogenic (n=2). Based on the evidence outlined above, the variant was classified as pathogenic.

Eurofins Ntd Llc (ga)
Classification: Pathogenic. Last evaluated: 2017-12-26. Review status: criteria provided, single submitter. Criteria: EGL Classification Definitions 2015. Collection method: clinical testing. Allele origin: germline.

Literature cited by the submitters: PubMed 23559409 (cited by Labcorp Genetics (formerly Invitae), Labcorp and Women's Health and Genetics/Laboratory Corporation of America, LabCorp).

NM_001128178.3(NPHP1):c.1551del (p.Ile517fs)

Gene: NPHP1 (nephrocystin 1; minus strand). Cytogenetic location: 2q13.
Variant type: Deletion.
Coding change: c.1551del on transcript NM_001128178.3 (MANE Select); coding-DNA position 1551, one base deleted (T; older notation c.1551delT).
Protein change: p.Ile517fs; shifts the reading frame from isoleucine 517.
Molecular consequence: frameshift variant.
Genome position (GRCh38, 1-based): chr2:110,131,770, A deleted on the plus strand (T on the coding strand, the reverse complement: NPHP1 is on the minus strand); the first of 2 consecutive A bases (chr2:110,131,770-110,131,771); deleting either gives the same sequence. VCF-style (leftmost placement, unchanged base first): chr2-110131769-CA-C. GRCh37 (hg19) VCF-style: chr2-110889346-CA-C.
Other names: c.1719del, p.Ile573fs (NM_000272.5); c.1362del, p.Ile454fs (NM_001128179.3); c.1548del, p.Ile516fs (NM_001374256.1); c.1551del, p.Ile517fs (NM_001374257.1); c.1716del, p.Ile572fs (NM_207181.4); c.1719del (NM_000272.4); c.1719delT (NM_000272.3); short protein forms I454fs, I517fs, I572fs, I573fs, I516fs.
Identifiers: ClinVar variation 595558 (VCV000595558.19), dbSNP rs1017750255, ClinGen allele CA53525428.